The following is an entry in ClinVar:

ClinVar aggregate classification (germline): Uncertain significance (1 of 4 stars; one submission).

Conditions:
Wilson disease (WND). Also called: Wilson's disease. Identifiers: Orphanet 905, MedGen C0019202, MONDO:0010200, OMIM 277900. Disease mechanism: loss of function.

Submission:

Color Diagnostics, LLC DBA Color Health
Classification: Uncertain significance for Wilson disease. Last evaluated: 2025-07-08. Review status: criteria provided, single submitter. Criteria: ACMG Guidelines, 2015. Collection method: clinical testing. Allele origin: germline.
Comment: This missense variant replaces phenylalanine with leucine at codon 764 of the ATP7B protein. Computational prediction suggests that this variant may have deleterious impact on protein structure and function. To our knowledge, functional studies have not been reported for this variant. This variant has not been reported in individuals affected with ATP7B-related disorders in the literature. This variant has not been identified in the general population by the Genome Aggregation Database (gnomAD). The available evidence is insufficient to determine the role of this variant in disease conclusively. Therefore, this variant is classified as a Variant of Uncertain Significance.

NM_000053.4(ATP7B):c.2292C>A (p.Phe764Leu)

Gene: ATP7B (ATPase copper transporting beta; minus strand). Cytogenetic location: 13q14.3.
Variant type: single nucleotide variant.
Coding change: c.2292C>A on transcript NM_000053.4 (MANE Select); coding-DNA position 2292, C replaced by A.
Protein change: p.Phe764Leu; replaces phenylalanine 764 with leucine.
Molecular consequence: missense variant. On other transcripts: intron variant (14).
Genome position (GRCh38, 1-based): chr13:51,958,374, G>T on the plus strand (C>A on the coding strand, the complement: ATP7B is on the minus strand). VCF-style: chr13-51958374-G-T. GRCh37 (hg19) VCF-style: chr13-52532510-G-T.
Other names: c.1959C>A, p.Phe653Leu (NM_001243182.2); c.2040C>A, p.Phe680Leu (NM_001330579.2, NM_001406540.1, NM_001406531.1 and 1 more transcripts); c.2292C>A, p.Phe764Leu (NM_001406511.1, NM_001406512.1, NM_001406513.1 and 7 more transcripts); c.2259C>A, p.Phe753Leu (NM_001406514.1); c.2196C>A, p.Phe732Leu (NM_001406517.1, NM_001406518.1); c.2148C>A, p.Phe716Leu (NM_001406520.1, NM_001406521.1, NM_001406522.1 and 1 more transcripts); c.1944C>A, p.Phe648Leu (NM_001406543.1); c.1870-767C>A (NM_001406541.1, NM_001005918.3, NM_001406546.1 and 1 more transcripts); and 8 more; short protein forms F621L, F648L, F653L, F680L, F684L, F705L, F716L, F732L.
Identifiers: ClinVar variation 4758931 (VCV004758931.1).